The following is an entry in ClinVar:

NM_006015.6(ARID1A):c.157G>A (p.Ala53Thr)

Gene: ARID1A (AT-rich interaction domain 1A; plus strand). Cytogenetic location: 1p36.11.
Variant type: single nucleotide variant.
Coding change: c.157G>A on transcript NM_006015.6 (MANE Select); coding-DNA position 157, G replaced by A.
Protein change: p.Ala53Thr; replaces alanine 53 with threonine.
Molecular consequence: missense variant.
Genome position (GRCh38, 1-based): chr1:26,696,560, G>A. VCF-style: chr1-26696560-G-A. GRCh37 (hg19) VCF-style: chr1-27023051-G-A.
Other names: c.157G>A, p.Ala53Thr (NM_139135.4); short protein forms A53T.
Identifiers: ClinVar variation 4775849 (VCV004775849.1).

ClinVar aggregate classification (germline): Uncertain significance (1 of 4 stars; one submission).

Submission:

Labcorp Genetics (formerly Invitae), Labcorp
Classification: Uncertain significance. Last evaluated: 2025-06-08. Review status: criteria provided, single submitter. Criteria: Invitae Variant Classification Sherloc (09022015). Collection method: clinical testing. Allele origin: germline.
Comment: This sequence change replaces alanine, which is neutral and non-polar, with threonine, which is neutral and polar, at codon 53 of the ARID1A protein (p.Ala53Thr). The frequency data for this variant in the population databases is considered unreliable, as metrics indicate insufficient coverage at this position in the gnomAD database. This variant has not been reported in the literature in individuals affected with ARID1A-related conditions. Invitae Evidence Modeling of protein sequence and biophysical properties (such as structural, functional, and spatial information, amino acid conservation, physicochemical variation, residue mobility, and thermodynamic stability) indicates that this missense variant is not expected to disrupt ARID1A protein function with a negative predictive value of 95%. In summary, the available evidence is currently insufficient to determine the role of this variant in disease. Therefore, it has been classified as a Variant of Uncertain Significance.